The following is an entry in ClinVar:

NM_003597.5(KLF11):c.842C>G (p.Pro281Arg)

Gene: KLF11 (KLF transcription factor 11; plus strand). Cytogenetic location: 2p25.1.
Variant type: single nucleotide variant.
Coding change: c.842C>G on transcript NM_003597.5 (MANE Select); coding-DNA position 842, C replaced by G.
Protein change: p.Pro281Arg; replaces proline 281 with arginine.
Molecular consequence: missense variant.
Genome position (GRCh38, 1-based): chr2:10,048,179, C>G. VCF-style: chr2-10048179-C-G. GRCh37 (hg19) VCF-style: chr2-10188306-C-G.
Other names: c.791C>G, p.Pro264Arg (NM_001177716.2, NM_001177718.2); short protein forms P264R, P281R.
Identifiers: ClinVar variation 2106544 (VCV002106544.4), dbSNP rs766097081, ClinGen allele CA345803051.

ClinVar aggregate classification (germline): Uncertain significance (1 of 4 stars; one submission).

Submission:

Labcorp Genetics (formerly Invitae), Labcorp
Classification: Uncertain significance. Last evaluated: 2022-04-26. Review status: criteria provided, single submitter. Criteria: Invitae Variant Classification Sherloc (09022015). Collection method: clinical testing. Allele origin: germline.
Comment: In summary, the available evidence is currently insufficient to determine the role of this variant in disease. Therefore, it has been classified as a Variant of Uncertain Significance. Algorithms developed to predict the effect of missense changes on protein structure and function are either unavailable or do not agree on the potential impact of this missense change (SIFT: "Deleterious"; PolyPhen-2: "Benign"; Align-GVGD: "Class C0"). This variant has not been reported in the literature in individuals affected with KLF11-related conditions. This variant is not present in population databases (gnomAD no frequency). This sequence change replaces proline, which is neutral and non-polar, with arginine, which is basic and polar, at codon 281 of the KLF11 protein (p.Pro281Arg).